The following is an entry in ClinVar:

NM_001330691.3(CEP78):c.1026A>G (p.Ile342Met)

Gene: CEP78 (centrosomal protein 78; plus strand). Cytogenetic location: 9q21.2.
Variant type: single nucleotide variant.
Coding change: c.1026A>G on transcript NM_001330691.3 (MANE Select); coding-DNA position 1026, A replaced by G.
Protein change: p.Ile342Met; replaces isoleucine 342 with methionine.
Molecular consequence: missense variant.
Genome position (GRCh38, 1-based): chr9:78,248,830, A>G. VCF-style: chr9-78248830-A-G. GRCh37 (hg19) VCF-style: chr9-80863746-A-G.
Other names: c.1026A>G, p.Ile342Met (NM_001098802.3, NM_001330693.3, NM_001330694.2 and 4 more transcripts); short protein forms I342M.
Identifiers: ClinVar variation 969171 (VCV000969171.7), dbSNP rs373976212, ClinGen allele CA5095117.
Genomic context (GRCh38, chr9:78,248,830, plus strand): 5'-GATAACTTCTCCATCAGTGAAGGAACCATCCAAAACTGCTAAACAGAAAAGGAGAACTAT[A>G]ATTCTAGGAAGTGGTCACAAAGGAAAAGCTACTATTAGAATTGGTAACCTTTTCTGTCTT-3'
Protein context (NP_001317620.1, residues 332-352): SKTAKQKRRT[Ile342Met]ILGSGHKGKA

ClinVar aggregate classification (germline): Conflicting classifications of pathogenicity. Review status: criteria provided, conflicting classifications (1 of 4 stars). 3 submissions from 3 submitters: Uncertain significance (1); Likely benign (1). 1 of the submissions does not count toward it. Last evaluated 2024-09-18.

Conditions:
CEP78-related disorder. Also called: CEP78-related condition.

Allele frequency attached by ClinVar (database versions not stated): gnomAD exomes 0.00002 and 0.00007; ESP Exome Variant Server 0.00008; ExAC 0.00020; TOPMed 0.00036; gnomAD 0.00037 and 0.00041.
gnomAD v4.1: 85 of 1,597,062 alleles (0.0053%); highest among the groups gnomAD compares: African/African-American, 0.11%; no homozygotes.

Submissions (3):

Blueprint Genetics
Classification: Likely benign. Last evaluated: 2024-09-18. Review status: criteria provided, single submitter. Criteria: ACMG Guidelines, 2015. Collection method: clinical testing. Allele origin: germline.

Labcorp Genetics (formerly Invitae), Labcorp
Classification: Uncertain significance. Last evaluated: 2022-11-01. Review status: criteria provided, single submitter. Criteria: Invitae Variant Classification Sherloc (09022015). Collection method: clinical testing. Allele origin: germline.
Comment: This sequence change replaces isoleucine, which is neutral and non-polar, with methionine, which is neutral and non-polar, at codon 342 of the CEP78 protein (p.Ile342Met). This variant is present in population databases (rs373976212, gnomAD 0.1%). This variant has not been reported in the literature in individuals affected with CEP78-related conditions. ClinVar contains an entry for this variant (Variation ID: 969171). Advanced modeling of protein sequence and biophysical properties (such as structural, functional, and spatial information, amino acid conservation, physicochemical variation, residue mobility, and thermodynamic stability) performed at Invitae indicates that this missense variant is not expected to disrupt CEP78 protein function. In summary, the available evidence is currently insufficient to determine the role of this variant in disease. Therefore, it has been classified as a Variant of Uncertain Significance.

PreventionGenetics, part of Exact Sciences
Classification: Uncertain significance for CEP78-related condition. Last evaluated: 2024-07-16. Review status: no assertion criteria provided. Collection method: clinical testing. Allele origin: germline. Not counted in ClinVar's aggregate classification.
Comment: The CEP78 c.1026A>G variant is predicted to result in the amino acid substitution p.Ile342Met. To our knowledge, this variant has not been reported in the literature. This variant is reported in 0.14% of alleles in individuals of African descent in gnomAD, which may be too common to be an unreported cause of disease. Although we suspect that this variant may be benign, at this time, the clinical significance of this variant is uncertain due to the absence of conclusive functional and genetic evidence.